The following is an entry in ClinVar:

NM_006231.4(POLE):c.5177G>A (p.Cys1726Tyr)

Gene: POLE (DNA polymerase epsilon, catalytic subunit; minus strand). Cytogenetic location: 12q24.33.
Variant type: single nucleotide variant.
Coding change: c.5177G>A on transcript NM_006231.4 (MANE Select); coding-DNA position 5177, G replaced by A.
Protein change: p.Cys1726Tyr; replaces cysteine 1726 with tyrosine.
Molecular consequence: missense variant.
Genome position (GRCh38, 1-based): chr12:132,641,848, C>T on the plus strand (G>A on the coding strand, the complement: POLE is on the minus strand). VCF-style: chr12-132641848-C-T. GRCh37 (hg19) VCF-style: chr12-133218434-C-T.
Other names: short protein forms C1726Y.
Identifiers: ClinVar variation 3225475 (VCV003225475.3), dbSNP rs2541881827, ClinGen allele CA387376536.

ClinVar aggregate classification (germline): Uncertain significance. Review status: criteria provided, multiple submitters, no conflicts (2 of 4 stars). 2 submissions from 2 submitters: Uncertain significance (2). Last evaluated 2025-11-02.

Conditions:
Hereditary cancer-predisposing syndrome. Also called: Neoplastic Syndromes, Hereditary; Tumor predisposition; Hereditary neoplastic syndrome; Hereditary Cancer Syndrome. Identifiers: Orphanet 140162, MedGen C0027672, MeSH D009386, MONDO:0015356.

Submissions (2):

Labcorp Genetics (formerly Invitae), Labcorp
Classification: Uncertain significance. Last evaluated: 2025-11-02. Review status: criteria provided, single submitter. Criteria: Invitae Variant Classification Sherloc (09022015). Collection method: clinical testing. Allele origin: germline.
Comment: This sequence change replaces cysteine, which is neutral and slightly polar, with tyrosine, which is neutral and polar, at codon 1726 of the POLE protein (p.Cys1726Tyr). This variant is not present in population databases (gnomAD no frequency). This variant has not been reported in the literature in individuals affected with POLE-related conditions. ClinVar contains an entry for this variant (Variation ID: 3225475). Invitae Evidence Modeling of protein sequence and biophysical properties (such as structural, functional, and spatial information, amino acid conservation, physicochemical variation, residue mobility, and thermodynamic stability) indicates that this missense variant is expected to disrupt POLE protein function with a positive predictive value of 80%. In summary, the available evidence is currently insufficient to determine the role of this variant in disease. Therefore, it has been classified as a Variant of Uncertain Significance.

Ambry Genetics
Classification: Uncertain significance for Hereditary cancer-predisposing syndrome. Last evaluated: 2023-09-25. Review status: criteria provided, single submitter. Criteria: Ambry Variant Classification Scheme 2023. Collection method: clinical testing. Allele origin: germline.
Comment: The p.C1726Y variant (also known as c.5177G>A), located in coding exon 39 of the POLE gene, results from a G to A substitution at nucleotide position 5177. The cysteine at codon 1726 is replaced by tyrosine, an amino acid with highly dissimilar properties. This amino acid position is conserved. In addition, this alteration is predicted to be deleterious by in silico analysis. Since supporting evidence is limited at this time, the clinical significance of this alteration remains unclear.